The following is an entry in ClinVar:

ClinVar aggregate classification (germline): Uncertain significance (1 of 4 stars; one submission).

Conditions:
Arrhythmogenic right ventricular dysplasia 11. Also called: ARRHYTHMOGENIC RIGHT VENTRICULAR DYSPLASIA, FAMILIAL, 11; Arrhythmogenic Right Ventricular Dysplasia/Cardiomyopathy11; Arrhythmogenic right ventricular dysplasia 11 with mild palmoplantar keratoderma and woolly hair. Identifiers: MedGen C1864850, MONDO:0012506, OMIM 610476.

Submission:

Labcorp Genetics (formerly Invitae), Labcorp
Classification: Uncertain significance for Arrhythmogenic right ventricular dysplasia 11. Last evaluated: 2024-09-30. Review status: criteria provided, single submitter. Criteria: Invitae Variant Classification Sherloc (09022015). Collection method: clinical testing. Allele origin: germline.
Comment: This sequence change replaces valine, which is neutral and non-polar, with phenylalanine, which is neutral and non-polar, at codon 416 of the DSC2 protein (p.Val416Phe). This variant is not present in population databases (gnomAD no frequency). This variant has not been reported in the literature in individuals affected with DSC2-related conditions. Invitae Evidence Modeling of protein sequence and biophysical properties (such as structural, functional, and spatial information, amino acid conservation, physicochemical variation, residue mobility, and thermodynamic stability) indicates that this missense variant is not expected to disrupt DSC2 protein function with a negative predictive value of 80%. In summary, the available evidence is currently insufficient to determine the role of this variant in disease. Therefore, it has been classified as a Variant of Uncertain Significance.

NM_024422.6(DSC2):c.1246G>T (p.Val416Phe)

Gene: DSC2 (desmocollin 2; minus strand). Cytogenetic location: 18q12.1.
Variant type: single nucleotide variant.
Coding change: c.1246G>T on transcript NM_024422.6 (MANE Select); coding-DNA position 1246, G replaced by T.
Protein change: p.Val416Phe; replaces valine 416 with phenylalanine.
Molecular consequence: missense variant.
Genome position (GRCh38, 1-based): chr18:31,082,255, C>A on the plus strand (G>T on the coding strand, the complement: DSC2 is on the minus strand). VCF-style: chr18-31082255-C-A. GRCh37 (hg19) VCF-style: chr18-28662221-C-A.
Other names: c.817G>T, p.Val273Phe (NM_001406506.1, NM_001406507.1); c.1246G>T, p.Val416Phe (NM_004949.5); short protein forms V416F, V273F.
Identifiers: ClinVar variation 3677769 (VCV003677769.2).
Genomic context (GRCh38, chr18:31,082,255, plus strand): 5'-TATGATATTATAAACTACAAATAATGTTCTAATTTATTCTTACCTTAACTACACAAAGAA[C>A]TCCTTCATTGGTTTTGGCATCTGTTACAATTTTAAAATTGCCATTTTCATTGCCCTTTAA-3'
Protein context (NP_077740.1, residues 406-426): IVTDAKTNEG[Val416Phe]LCVVKPLNYE